The following is an entry in ClinVar:

NM_001278716.2(FBXL4):c.1569G>C (p.Gly523=)

Gene: FBXL4 (F-box and leucine rich repeat protein 4; minus strand). Cytogenetic location: 6q16.1.
Variant type: single nucleotide variant.
Coding change: c.1569G>C on transcript NM_001278716.2 (MANE Select); coding-DNA position 1569, G replaced by C.
Protein change: p.Gly523=; no amino-acid change (glycine 523 retained).
Molecular consequence: synonymous variant. On other transcripts: non-coding transcript variant (1).
Genome position (GRCh38, 1-based): chr6:98,875,548, C>G on the plus strand (G>C on the coding strand, the complement: FBXL4 is on the minus strand). VCF-style: chr6-98875548-C-G. GRCh37 (hg19) VCF-style: chr6-99323424-C-G.
Other names: c.1569G>C, p.Gly523= (NM_012160.5).
Identifiers: ClinVar variation 437774 (VCV000437774.2), dbSNP rs11537982, ClinGen allele CA3933420.

ClinVar aggregate classification (germline): Conflicting classifications of pathogenicity. Review status: criteria provided, conflicting classifications (1 of 4 stars). 2 submissions from 2 submitters: Uncertain significance (1); Likely benign (1). Last evaluated 2026-01-09.

Conditions:
Mitochondrial DNA depletion syndrome 13. Also called: FBXL4-Related Encephalomyopathic Mitochondrial DNA Depletion Syndrome; Mitochondrial DNA depletion syndrome 13 (encephalomyopathic type). Identifiers: Orphanet 369897, MedGen C3809592, MONDO:0014198, OMIM 615471.

gnomAD v4.1: 35 of 1,614,030 alleles (0.0022%); highest among the groups gnomAD compares: Middle Eastern, 0.017%; no homozygotes.

Submissions (2):

Labcorp Genetics (formerly Invitae), Labcorp
Classification: Likely benign. Last evaluated: 2026-01-09. Review status: criteria provided, single submitter. Criteria: Invitae Variant Classification Sherloc (09022015). Collection method: clinical testing. Allele origin: germline.

Wong Mito Lab, Molecular and Human Genetics, Baylor College of Medicine
Classification: Uncertain significance for Mitochondrial DNA depletion syndrome 13. Last evaluated: 2017-08-10. Review status: criteria provided, single submitter. Criteria: ACMG Guidelines, 2015. Collection method: reference population. Allele origin: germline.
Comment: The NM_012160.4:c.1569G>C (NP_036292.2:p.Gly523=) [GRCH38: NC_000006.12:g.98875548C>G] variant in FBXL4 gene is interpretated to be a Uncertain Significance - Insufficient Evidence based on ACMG guidelines (PMID: 25741868). This variant meets one or more of the following evidence codes reported in the ACMG-guideline. PM2:This variant is absent in key population databases. PP3:Computational evidence/predictors indicate the variant has deleterious effect on FBXL4 structure, function, or protein-protein interaction. Based on this evidence code ClinGen Pathogenicity Calculator (PMID:28081714) suggested that the variant is Uncertain Significance - Insufficient Evidence.